The following is an entry in ClinVar:

ClinVar aggregate classification (germline): Uncertain significance. Review status: criteria provided, multiple submitters, no conflicts (2 of 4 stars). 2 submissions from 2 submitters: Uncertain significance (2). Last evaluated 2025-08-20.

Conditions:
Inborn genetic diseases. Identifiers: MedGen C0950123, MeSH D030342.

Allele frequency attached by ClinVar (database versions not stated): gnomAD 0.00001; gnomAD exomes 0.00002; ExAC 0.00002; TOPMed 0.00002.
gnomAD v4.1: 36 of 1,613,672 alleles (0.0022%); highest among the groups gnomAD compares: East Asian, 0.011%; no homozygotes.

Submissions (2):

Ambry Genetics
Classification: Uncertain significance for Inborn genetic diseases. Last evaluated: 2025-08-20. Review status: criteria provided, single submitter. Criteria: Ambry Variant Classification Scheme 2023. Collection method: clinical testing. Allele origin: germline.

Labcorp Genetics (formerly Invitae), Labcorp
Classification: Uncertain significance. Last evaluated: 2025-05-24. Review status: criteria provided, single submitter. Criteria: Invitae Variant Classification Sherloc (09022015). Collection method: clinical testing. Allele origin: germline.
Comment: This sequence change replaces threonine, which is neutral and polar, with methionine, which is neutral and non-polar, at codon 1211 of the AP3D1 protein (p.Thr1211Met). This variant is present in population databases (rs776036627, gnomAD 0.006%). This variant has not been reported in the literature in individuals affected with AP3D1-related conditions. ClinVar contains an entry for this variant (Variation ID: 2894027). An algorithm developed to predict the effect of missense changes on protein structure and function (PolyPhen-2) suggests that this variant is likely to be disruptive. In summary, the available evidence is currently insufficient to determine the role of this variant in disease. Therefore, it has been classified as a Variant of Uncertain Significance.

NM_001261826.3(AP3D1):c.3632C>T (p.Thr1211Met)

Gene: AP3D1 (adaptor related protein complex 3 subunit delta 1; minus strand). Cytogenetic location: 19p13.3.
Variant type: single nucleotide variant.
Coding change: c.3632C>T on transcript NM_001261826.3 (MANE Select); coding-DNA position 3632, C replaced by T.
Protein change: p.Thr1211Met; replaces threonine 1211 with methionine.
Molecular consequence: missense variant.
Genome position (GRCh38, 1-based): chr19:2,102,189, G>A on the plus strand (C>T on the coding strand, the complement: AP3D1 is on the minus strand). VCF-style: chr19-2102189-G-A. GRCh37 (hg19) VCF-style: chr19-2102188-G-A.
Other names: c.3596C>T, p.Thr1199Met (NM_001374799.1); c.3446C>T, p.Thr1149Met (NM_003938.8); c.3446C>T (NM_003938.5); short protein forms T1149M, T1199M, T1211M.
Identifiers: ClinVar variation 2894027 (VCV002894027.4), dbSNP rs776036627, ClinGen allele CA9058300.
Genomic context (GRCh38, chr19:2,102,189, plus strand): 5'-TGGGTACGTGCTCCGCGGGGTGGTGCGGGGCTCGCAGGCAGCTCTCAACACTTGGCCAGC[G>A]TCGCCTTCATCTCTTCTAACAAGTTGCTCAGTAGCGTGGAGTCACTGCACTTCCCGTCGA-3'
Protein context (NP_001248755.1, residues 1201-1215): LSNLLEEMKA[Thr1211Met]LAKC